The following is an entry in ClinVar:

NM_000834.5(GRIN2B):c.1280G>T (p.Gly427Val)

Gene: GRIN2B (glutamate ionotropic receptor NMDA type subunit 2B; minus strand). Cytogenetic location: 12p13.1.
Variant type: single nucleotide variant.
Coding change: c.1280G>T on transcript NM_000834.5 (MANE Select); coding-DNA position 1280, G replaced by T.
Protein change: p.Gly427Val; replaces glycine 427 with valine.
Molecular consequence: missense variant.
Genome position (GRCh38, 1-based): chr12:13,616,503, C>A on the plus strand (G>T on the coding strand, the complement: GRIN2B is on the minus strand). VCF-style: chr12-13616503-C-A. GRCh37 (hg19) VCF-style: chr12-13769437-C-A.
Other names: short protein forms G427V.
Identifiers: ClinVar variation 663217 (VCV000663217.9), dbSNP rs1591643530, ClinGen allele CA384052543.
Genomic context (GRCh38, chr12:13,616,503, plus strand): 5'-AGGATGCCATACTCAGTGACTATGCGTTTTTGGCAGGGGACTGTGTTCCTCATGCAGGTT[C>A]CACTCAGAGGGTCCACACTTTCCACAATGACAAATGGTGCCTCCTCCAGGGTCACAATGC-3'
Protein context (NP_000825.2, residues 417-437): VIVESVDPLS[Gly427Val]TCMRNTVPCQ

ClinVar aggregate classification (germline): Likely pathogenic (1 of 4 stars; one submission).

Conditions:
Intellectual developmental disorder, autosomal dominant 6, with or without seizures. Also called: Intellectual disability, autosomal dominant 6; GRIN2B-related developmental delay, intellectual disability and autism spectrum disorder. Identifiers: Orphanet 589547, MedGen C3151411, MONDO:0013509, OMIM 613970.
Developmental and epileptic encephalopathy, 27 (DEE27). Also called: GRIN2B-Related Neurodevelopmental Disorder; Epileptic encephalopathy, early infantile, 27. Identifiers: Orphanet 3451, MedGen C4015316, MONDO:0014505, OMIM 616139.

Submission:

Labcorp Genetics (formerly Invitae), Labcorp
Classification: Likely pathogenic for Developmental and epileptic encephalopathy, 27; Intellectual developmental disorder, autosomal dominant 6, with or without seizures. Last evaluated: 2018-09-12. Review status: criteria provided, single submitter. Criteria: Invitae Variant Classification Sherloc (09022015). Collection method: clinical testing. Allele origin: germline.
Comment: In summary, the currently available evidence indicates that the variant is pathogenic, but additional data are needed to prove that conclusively. Therefore, this variant has been classified as Likely Pathogenic. Algorithms developed to predict the effect of sequence changes on RNA splicing suggest that this variant may create or strengthen a splice site, but this prediction has not been confirmed by published transcriptional studies. Algorithms developed to predict the effect of missense changes on protein structure and function are either unavailable or do not agree on the potential impact of this missense change (SIFT: "Deleterious"; PolyPhen-2: "Possibly Damaging"; Align-GVGD: "Class C15"). This variant is not present in population databases (ExAC no frequency). This sequence change replaces glycine with valine at codon 427 of the GRIN2B protein (p.Gly427Val). The glycine residue is highly conserved and there is a moderate physicochemical difference between glycine and valine.